The following is an entry in ClinVar:

ClinVar aggregate classification (germline): Uncertain significance (1 of 4 stars; one submission).

Conditions:
Cardiovascular phenotype. Identifiers: MedGen CN230736.

Submission:

Ambry Genetics
Classification: Uncertain significance for Cardiovascular phenotype. Last evaluated: 2024-11-10. Review status: criteria provided, single submitter. Criteria: Ambry Variant Classification Scheme 2023. Collection method: clinical testing. Allele origin: germline.
Comment: The p.I1342N variant (also known as c.4025T>A), located in coding exon 25 of the APOB gene, results from a T to A substitution at nucleotide position 4025. The isoleucine at codon 1342 is replaced by asparagine, an amino acid with dissimilar properties. This amino acid position is conserved. In addition, this alteration is predicted to be tolerated by in silico analysis. Since supporting evidence is limited at this time, the clinical significance of this alteration remains unclear.

NM_000384.3(APOB):c.4025T>A (p.Ile1342Asn)

Gene: APOB (apolipoprotein B; minus strand). Cytogenetic location: 2p24.1.
Variant type: single nucleotide variant.
Coding change: c.4025T>A on transcript NM_000384.3 (MANE Select); coding-DNA position 4025, T replaced by A.
Protein change: p.Ile1342Asn; replaces isoleucine 1342 with asparagine.
Molecular consequence: missense variant.
Genome position (GRCh38, 1-based): chr2:21,013,351, A>T on the plus strand (T>A on the coding strand, the complement: APOB is on the minus strand). VCF-style: chr2-21013351-A-T. GRCh37 (hg19) VCF-style: chr2-21236223-A-T.
Other names: short protein forms I1342N.
Identifiers: ClinVar variation 630977 (VCV000630977.7), dbSNP rs1558566309, ClinGen allele CA346007777.